The following is an entry in ClinVar:

NM_000077.5(CDKN2A):c.339G>A (p.Leu113=)

Gene: CDKN2A (cyclin dependent kinase inhibitor 2A; minus strand). Cytogenetic location: 9p21.3.
Variant type: single nucleotide variant.
Coding change: c.339G>A on transcript NM_000077.5; coding-DNA position 339, G replaced by A.
Protein change: p.Leu113=; no amino-acid change (leucine 113 retained).
Molecular consequence: synonymous variant (on NM_000077.6). On other transcripts: missense variant (1), 3 prime UTR variant (1).
Genome position (GRCh38, 1-based): chr9:21,971,020, C>T on the plus strand (G>A on the coding strand, the complement: CDKN2A is on the minus strand). VCF-style: chr9-21971020-C-T. GRCh37 (hg19) VCF-style: chr9-21971019-C-T.
Other names: c.339G>A, p.Leu113= (NM_000077.6, NM_001195132.2); c.186G>A, p.Leu62= (NM_001363763.2); c.382G>A, p.Ala128Thr (NM_058195.4); c.*262G>A (NM_058197.5); short protein forms A128T.
Identifiers: ClinVar variation 142725 (VCV000142725.16), dbSNP rs575031539, ClinGen allele CA169250.

ClinVar aggregate classification (germline): Conflicting classifications of pathogenicity. Review status: criteria provided, conflicting classifications (1 of 4 stars). 4 submissions from 4 submitters: Uncertain significance (2); Likely benign (2). Last evaluated 2025-12-02.

Conditions:
Familial melanoma. Also called: Hereditary cutaneous melanoma; Hereditary melanoma. Identifiers: Orphanet 618, MedGen C1512419, MONDO:0018961.
Hereditary cancer-predisposing syndrome. Also called: Neoplastic Syndromes, Hereditary; Hereditary Cancer Syndrome; Tumor predisposition; Hereditary neoplastic syndrome. Identifiers: Orphanet 140162, MedGen C0027672, MeSH D009386, MONDO:0015356.

Allele frequency attached by ClinVar (database versions not stated): gnomAD exomes below 0.00001 and 0.00001; ExAC 0.00001.
gnomAD v4.1: 8 of 1,607,312 alleles (0.0005%); highest among the groups gnomAD compares: Non-Finnish European, 0.00068%; no homozygotes.

Submissions (4):

Labcorp Genetics (formerly Invitae), Labcorp
Classification: Likely benign for Familial melanoma. Last evaluated: 2025-12-02. Review status: criteria provided, single submitter. Criteria: Invitae Variant Classification Sherloc (09022015). Collection method: clinical testing. Allele origin: germline.

Ambry Genetics
Classification: Uncertain significance for Hereditary cancer-predisposing syndrome. Last evaluated: 2019-05-08. Review status: criteria provided, single submitter. Criteria: Ambry Autosomal Dominant and X-Linked criteria (3/2017). Collection method: clinical testing. Allele origin: germline. Observed: 1 variant allele.
Comment: Ã¢â‚¬â€¹The p.A128T variant (also known as c.382G>A), located in coding exon 2 of the CDKN2A gene, results from a G to A substitution at nucleotide position 382 of the p14 protein-encoding isoform. The alanine at codon 128 is replaced by threonine, an amino acid with similar properties. This alteration does not result in an amino acid change in the major, p16 transcript of CDKN2A. This alteration has been identified in one family with melanoma (FitzGerald MG et al. Proc. Natl. Acad. Sci. U.S.A., 1996 Aug;93:8541-5). This amino acid position is not well conserved in available vertebrate species. In addition, this alteration is predicted to be tolerated by in silico analysis. Since supporting evidence is limited at this time, the clinical significance of this alteration remains unclear.

Color Diagnostics, LLC DBA Color Health
Classification: Likely benign for Hereditary cancer-predisposing syndrome. Last evaluated: 2016-11-07. Review status: criteria provided, single submitter. Criteria: ACMG Guidelines, 2015. Collection method: clinical testing. Allele origin: germline.

GeneDx
Classification: Uncertain significance. Last evaluated: 2016-04-04. Review status: criteria provided, single submitter. Criteria: GeneDx Variant Classification (06012015). Collection method: clinical testing. Allele origin: germline. Affected: yes.
Comment: This variant is denoted CDKN2A c.382G>A at the cDNA level, p.Ala128Thr (A128T) at the protein level, and results in the change of an Alanine to a Threonine (GCC>ACC) in exon 2 of the p14-ARF protein. The CDKN2A gene encodes the p16 protein, and using an alternate reading frame, the p14-ARF protein as well. Of note, this variant also results in a change to the p16 protein; however, that amino acid substitution is silent (p.Leu113Leu). This variant was observed in individuals with personal and/or family histories of melanoma (FitzGerald 1996, Goldstein 2007). CDKN2A Ala128Thr was not observed in approximately 6,500 individuals of European and African American ancestry in the NHLBI Exome Sequencing Project, suggesting it is not a common benign variant in these populations. Since Alanine and Threonine differ in polarity, charge, size or other properties, this is considered a non-conservative amino acid substitution. CDKN2A Ala128Thr occurs at a position that is not conserved and is not located in a known functional domain (UniProt). In silico analyses are inconsistent regarding the effect this variant may have on protein structure and function. Based on currently available evidence, it is unclear whether CDKN2A Ala128Thr is a pathogenic or benign variant. We consider it to be a variant of uncertain significance.

Literature cited by the submitters: PubMed 8710906 (cited by Ambry Genetics).